The following is an entry in ClinVar:

NM_000038.6(APC):c.2356C>G (p.Arg786Gly)

Gene: APC (APC regulator of Wnt signaling pathway; plus strand). Cytogenetic location: 5q22.2.
Variant type: single nucleotide variant.
Coding change: c.2356C>G on transcript NM_000038.6 (MANE Select); coding-DNA position 2356, C replaced by G.
Protein change: p.Arg786Gly; replaces arginine 786 with glycine.
Molecular consequence: missense variant.
Genome position (GRCh38, 1-based): chr5:112,837,950, C>G. VCF-style: chr5-112837950-C-G. GRCh37 (hg19) VCF-style: chr5-112173647-C-G.
Other names: c.2356C>G, p.Arg786Gly (NM_001127510.3, NM_001354895.2, NM_001407450.1); c.2302C>G, p.Arg768Gly (NM_001127511.3); c.2410C>G, p.Arg804Gly (NM_001354896.2, NM_001407447.1, NM_001407448.1 and 1 more transcripts); c.2386C>G, p.Arg796Gly (NM_001354897.2); c.2281C>G, p.Arg761Gly (NM_001354898.2); c.2272C>G, p.Arg758Gly (NM_001354899.2); c.2233C>G, p.Arg745Gly (NM_001354900.2); c.2179C>G, p.Arg727Gly (NM_001354901.2, NM_001407453.1); and 11 more; short protein forms R402G, R503G, R626G, R657G, R660G, R685G, R695G, R703G.
Identifiers: ClinVar variation 1717864 (VCV001717864.11), dbSNP rs1165139414, ClinGen allele CA16026503.
Genomic context (GRCh38, chr5:112,837,950, plus strand): 5'-GCTCAGCACTTATCAGAAACTTTTGACAATATAGACAATTTAAGTCCCAAGGCATCTCAT[C>G]GTAGTAAGCAGAGACACAAGCAAAGTCTCTATGGTGATTATGTTTTTGACACCAATCGAC-3'
Protein context (NP_000029.2, residues 776-796): IDNLSPKASH[Arg786Gly]SKQRHKQSLY

ClinVar aggregate classification (germline): Uncertain significance. Review status: criteria provided, multiple submitters, no conflicts (2 of 4 stars). 4 submissions from 4 submitters: Uncertain significance (4). Last evaluated 2024-02-20.

Conditions:
Hereditary cancer-predisposing syndrome. Also called: Hereditary neoplastic syndrome; Neoplastic Syndromes, Hereditary; Hereditary Cancer Syndrome; Tumor predisposition. Identifiers: Orphanet 140162, MedGen C0027672, MeSH D009386, MONDO:0015356.
Familial adenomatous polyposis 1 (FAP1). Also called: FAMILIAL ADENOMATOUS POLYPOSIS 1, ATTENUATED; POLYPOSIS, ADENOMATOUS INTESTINAL. Identifiers: MedGen C2713442, MONDO:0021056, OMIM 175100. Disease mechanism: loss of function.

gnomAD v4.1: 1 of 1,614,034 alleles (0.000062%); highest among the groups gnomAD compares: Middle Eastern, 0.017%; no homozygotes.

Submissions (4):

Baylor Genetics
Classification: Uncertain significance for Familial adenomatous polyposis 1. Last evaluated: 2024-02-20. Review status: criteria provided, single submitter. Criteria: ACMG Guidelines, 2015. Collection method: clinical testing. Allele origin: unknown.

Revvity Omics, Revvity
Classification: Uncertain significance. Last evaluated: 2023-06-14. Review status: criteria provided, single submitter. Criteria: ACMG Guidelines, 2015. Collection method: clinical testing. Allele origin: germline.

Labcorp Genetics (formerly Invitae), Labcorp
Classification: Uncertain significance for Familial adenomatous polyposis 1. Last evaluated: 2022-09-17. Review status: criteria provided, single submitter. Criteria: Invitae Variant Classification Sherloc (09022015). Collection method: clinical testing. Allele origin: germline.
Comment: In summary, the available evidence is currently insufficient to determine the role of this variant in disease. Therefore, it has been classified as a Variant of Uncertain Significance. Advanced modeling of protein sequence and biophysical properties (such as structural, functional, and spatial information, amino acid conservation, physicochemical variation, residue mobility, and thermodynamic stability) performed at Invitae indicates that this missense variant is not expected to disrupt APC protein function. This variant has not been reported in the literature in individuals affected with APC-related conditions. This sequence change replaces arginine, which is basic and polar, with glycine, which is neutral and non-polar, at codon 786 of the APC protein (p.Arg786Gly). This variant is not present in population databases (gnomAD no frequency).

Ambry Genetics
Classification: Uncertain significance for Hereditary cancer-predisposing syndrome. Last evaluated: 2020-12-16. Review status: criteria provided, single submitter. Criteria: Ambry Variant Classification Scheme 2023. Collection method: clinical testing. Allele origin: germline.
Comment: The p.R786G variant (also known as c.2356C>G), located in coding exon 15 of the APC gene, results from a C to G substitution at nucleotide position 2356. The arginine at codon 786 is replaced by glycine, an amino acid with dissimilar properties. This amino acid position is highly conserved in available vertebrate species. In addition, in silico predictors for this gene do not accurately predict pathogenicity. Since supporting evidence is limited at this time, the clinical significance of this alteration remains unclear.